The following is an entry in ClinVar:

ClinVar aggregate classification (germline): Uncertain significance (1 of 4 stars; one submission).

Conditions:
Febrile seizures, familial, 8 (FEB8). Also called: CONVULSIONS, FAMILIAL FEBRILE, 8. Identifiers: Orphanet 36387, MedGen C1969810, MONDO:0011891, OMIM 607681.
EPILEPSY, CHILDHOOD ABSENCE, SUSCEPTIBILITY TO, 2 (ECA2). Identifiers: Orphanet 64280, MedGen C1843244, OMIM 607681.

Allele frequency attached by ClinVar (database versions not stated): gnomAD exomes below 0.00001.
gnomAD v4.1: 2 of 1,613,960 alleles (0.00012%); highest among the groups gnomAD compares: Non-Finnish European, 0.00017%; no homozygotes.

Submission:

Labcorp Genetics (formerly Invitae), Labcorp
Classification: Uncertain significance for Febrile seizures, familial, 8; EPILEPSY, CHILDHOOD ABSENCE, SUSCEPTIBILITY TO, 2. Last evaluated: 2021-09-01. Review status: criteria provided, single submitter. Criteria: Invitae Variant Classification Sherloc (09022015). Collection method: clinical testing. Allele origin: germline.
Comment: This sequence change replaces methionine with isoleucine at codon 391 of the GABRG2 protein (p.Met391Ile). The methionine residue is moderately conserved and there is a small physicochemical difference between methionine and isoleucine. This variant is not present in population databases (ExAC no frequency). This variant has not been reported in the literature in individuals affected with GABRG2-related conditions. Algorithms developed to predict the effect of missense changes on protein structure and function (SIFT, PolyPhen-2, Align-GVGD) all suggest that this variant is likely to be tolerated. In summary, the available evidence is currently insufficient to determine the role of this variant in disease. Therefore, it has been classified as a Variant of Uncertain Significance.

NM_198904.4(GABRG2):c.1197G>T (p.Met399Ile)

Gene: GABRG2 (gamma-aminobutyric acid type A receptor subunit gamma2; plus strand). Cytogenetic location: 5q34.
Variant type: single nucleotide variant.
Coding change: c.1197G>T on transcript NM_198904.4 (MANE Select); coding-DNA position 1197, G replaced by T.
Protein change: p.Met399Ile; replaces methionine 399 with isoleucine.
Molecular consequence: missense variant. On other transcripts: 3 prime UTR variant (1).
Genome position (GRCh38, 1-based): chr5:162,153,137, G>T. VCF-style: chr5-162153137-G-T. GRCh37 (hg19) VCF-style: chr5-161580143-G-T.
Other names: c.1173G>T, p.Met391Ile (NM_000816.3); c.1188G>T, p.Met396Ile (NM_001375339.1); c.*31G>T (NM_001375340.1); c.1194G>T, p.Met398Ile (NM_001375341.1); c.1170G>T, p.Met390Ile (NM_001375342.1); c.1293G>T, p.Met431Ile (NM_001375343.1); c.1236G>T, p.Met412Ile (NM_001375344.1); c.1107G>T, p.Met369Ile (NM_001375345.1); and 6 more; short protein forms M391I, M399I, M439I, M251I, M259I, M296I, M369I, M370I.
Identifiers: ClinVar variation 658863 (VCV000658863.6), dbSNP rs1581462722, ClinGen allele CA362183266.